The following is an entry in ClinVar:

ClinVar aggregate classification (germline): Uncertain significance. Review status: criteria provided, multiple submitters, no conflicts (2 of 4 stars). 3 submissions from 3 submitters: Uncertain significance (3). Last evaluated 2025-09-26.

Conditions:
Deficiency of aromatic-L-amino-acid decarboxylase. Also called: Aromatic L-Amino Acid Decarboxylase Deficiency; AADC DEFICIENCY; DDC DEFICIENCY; DOPA DECARBOXYLASE DEFICIENCY; Aromatic amino acid decarboxylase deficiency. Identifiers: Orphanet 35708, MedGen C1291564, MONDO:0012084, OMIM 608643.

Allele frequency attached by ClinVar (database versions not stated): ESP Exome Variant Server 0.00008; gnomAD 0.00009; TOPMed 0.00009.
gnomAD v4.1: 171 of 1,614,092 alleles (0.011%); highest among the groups gnomAD compares: Non-Finnish European, 0.014%; no homozygotes.

Submissions (3):

GeneDx
Classification: Uncertain significance. Last evaluated: 2025-09-26. Review status: criteria provided, single submitter. Criteria: GeneDx Variant Classification Process June 2021. Collection method: clinical testing. Allele origin: germline. Affected: yes.
Comment: Not observed at significant frequency in large population cohorts (gnomAD); In silico analysis supports that this missense variant has a deleterious effect on protein structure/function; Has not been previously reported as pathogenic or benign in association with DDC-related disorders to our knowledge; This variant is associated with the following publications: (PMID: 36427457)

Labcorp Genetics (formerly Invitae), Labcorp
Classification: Uncertain significance for Deficiency of aromatic-L-amino-acid decarboxylase. Last evaluated: 2024-10-23. Review status: criteria provided, single submitter. Criteria: Invitae Variant Classification Sherloc (09022015). Collection method: clinical testing. Allele origin: germline.
Comment: This sequence change replaces lysine, which is basic and polar, with asparagine, which is neutral and polar, at codon 432 of the DDC protein (p.Lys432Asn). This variant is present in population databases (rs199872159, gnomAD 0.009%). This variant has not been reported in the literature in individuals affected with DDC-related conditions. ClinVar contains an entry for this variant (Variation ID: 1328915). Invitae Evidence Modeling of protein sequence and biophysical properties (such as structural, functional, and spatial information, amino acid conservation, physicochemical variation, residue mobility, and thermodynamic stability) indicates that this missense variant is not expected to disrupt DDC protein function with a negative predictive value of 80%. In summary, the available evidence is currently insufficient to determine the role of this variant in disease. Therefore, it has been classified as a Variant of Uncertain Significance.

Department of Pathology and Laboratory Medicine, Sinai Health System
Classification: Uncertain significance for aromatic L-amino acid decarboxylase deficiency. Last evaluated: 2021-11-10. Review status: criteria provided, single submitter. Criteria: ACMG Guidelines, 2015. Collection method: research. Allele origin: germline.

NM_001082971.2(DDC):c.1296A>T (p.Lys432Asn)

Gene: DDC (dopa decarboxylase; minus strand). Cytogenetic location: 7p12.2.
Variant type: single nucleotide variant.
Coding change: c.1296A>T on transcript NM_001082971.2 (MANE Select); coding-DNA position 1296, A replaced by T.
Protein change: p.Lys432Asn; replaces lysine 432 with asparagine.
Molecular consequence: missense variant.
Genome position (GRCh38, 1-based): chr7:50,463,378, T>A on the plus strand (A>T on the coding strand, the complement: DDC is on the minus strand). VCF-style: chr7-50463378-T-A. GRCh37 (hg19) VCF-style: chr7-50531076-T-A.
Other names: c.1296A>T, p.Lys432Asn (NM_000790.4); c.1182A>T, p.Lys394Asn (NM_001242886.2); c.1152A>T, p.Lys384Asn (NM_001242887.2); c.1062A>T, p.Lys354Asn (NM_001242888.2); c.1017A>T, p.Lys339Asn (NM_001242889.2); short protein forms K339N, K354N, K384N, K394N, K432N.
Identifiers: ClinVar variation 1328915 (VCV001328915.7), dbSNP rs199872159, ClinGen allele CA4261996.